The following is an entry in ClinVar:

NM_000088.4(COL1A1):c.2537C>T (p.Pro846Leu)

Gene: COL1A1 (collagen type I alpha 1 chain; minus strand). Cytogenetic location: 17q21.33.
Variant type: single nucleotide variant.
Coding change: c.2537C>T on transcript NM_000088.4 (MANE Select); coding-DNA position 2537, C replaced by T.
Protein change: p.Pro846Leu; replaces proline 846 with leucine.
Molecular consequence: missense variant.
Genome position (GRCh38, 1-based): chr17:50,190,023, G>A on the plus strand (C>T on the coding strand, the complement: COL1A1 is on the minus strand). VCF-style: chr17-50190023-G-A. GRCh37 (hg19) VCF-style: chr17-48267384-G-A.
Other names: short protein forms P846L.
Identifiers: ClinVar variation 2853970 (VCV002853970.3), dbSNP rs2509188283, ClinGen allele CA400207548.
Genomic context (GRCh38, chr17:50,190,023, plus strand): 5'-CCACCAGCCTCGTGGGCACAGAGGGCCAAGCCACTCACAATGGGGCCAGGGGGTCCAGCG[G>A]GTCCGGCAGGGCCAGGGGGACCAGCATCGCCTTTAGCACCAGCATCACCAGGTTCGCCTT-3'
Protein context (NP_000079.2, residues 836-856): GDAGPPGPAG[Pro846Leu]AGPPGPIGNV

ClinVar aggregate classification (germline): Uncertain significance (1 of 4 stars; one submission).

Conditions:
Osteogenesis imperfecta type I (OI1). Also called: OI, TYPE I; OSTEOGENESIS IMPERFECTA TARDA; OSTEOGENESIS IMPERFECTA WITH BLUE SCLERAE; Lobstein disease; Osteogenesis imperfecta type 1; Lobstein's Disease. Identifiers: Orphanet 216796, Orphanet 666, MedGen C0023931, MONDO:0008146, OMIM 166200. Disease mechanism: loss of function.

Submission:

Labcorp Genetics (formerly Invitae), Labcorp
Classification: Uncertain significance for Osteogenesis imperfecta type I. Last evaluated: 2023-11-04. Review status: criteria provided, single submitter. Criteria: Invitae Variant Classification Sherloc (09022015). Collection method: clinical testing. Allele origin: germline.
Comment: This sequence change replaces proline, which is neutral and non-polar, with leucine, which is neutral and non-polar, at codon 846 of the COL1A1 protein (p.Pro846Leu). This variant is not present in population databases (gnomAD no frequency). This variant has not been reported in the literature in individuals affected with COL1A1-related conditions. Advanced modeling of protein sequence and biophysical properties (such as structural, functional, and spatial information, amino acid conservation, physicochemical variation, residue mobility, and thermodynamic stability) has been performed at Invitae for this missense variant, however the output from this modeling did not meet the statistical confidence thresholds required to predict the impact of this variant on COL1A1 protein function. In summary, the available evidence is currently insufficient to determine the role of this variant in disease. Therefore, it has been classified as a Variant of Uncertain Significance.